The following is an entry in ClinVar:

NM_004370.6(COL12A1):c.*6T>C

Gene: COL12A1 (collagen type XII alpha 1 chain; minus strand). Cytogenetic location: 6q13.
Variant type: single nucleotide variant.
Coding change: c.*6T>C on transcript NM_004370.6 (MANE Select); 6 bases downstream of the stop codon, T replaced by C.
Molecular consequence: 3 prime UTR variant.
Genome position (GRCh38, 1-based): chr6:75,086,541, A>G on the plus strand (T>C on the coding strand, the complement: COL12A1 is on the minus strand). VCF-style: chr6-75086541-A-G. GRCh37 (hg19) VCF-style: chr6-75796257-A-G.
Other names: c.*6T>C (NM_080645.3).
Identifiers: ClinVar variation 1318548 (VCV001318548.2), dbSNP rs2149321114, ClinGen allele CA2573052734.

ClinVar aggregate classification (germline): Uncertain significance (1 of 4 stars; one submission).

gnomAD v4.1: 1 of 1,607,710 alleles (0.000062%); highest among the groups gnomAD compares: Non-Finnish European, 0.000085%; no homozygotes.

Submission:

GeneDx
Classification: Uncertain significance. Last evaluated: 2019-03-22. Review status: criteria provided, single submitter. Criteria: GeneDx Variant Classification Process June 2021. Collection method: clinical testing. Allele origin: germline. Affected: yes.
Comment: Has not been previously published as pathogenic or benign to our knowledge; Not observed in large population cohorts (Lek et al., 2016); In silico analysis, which includes splice predictors and evolutionary conservation, supports that this variant does not alter protein structure/function